The following is an entry in ClinVar:

NM_007294.4(BRCA1):c.3841C>T (p.Gln1281Ter)

Genes: BRCA1 (BRCA1 DNA repair associated; minus strand), LOC126862571 (BRD4-independent group 4 enhancer GRCh37_chr17:41243136-41244335; plus strand). Cytogenetic location: 17q21.31.
Variant type: single nucleotide variant.
Coding change: c.3841C>T on transcript NM_007294.4 (MANE Select); coding-DNA position 3841, C replaced by T.
Protein change: p.Gln1281Ter; replaces glutamine 1281 with a stop codon.
Molecular consequence: nonsense. On other transcripts: intron variant (135).
Genome position (GRCh38, 1-based): chr17:43,091,690, G>A on the plus strand (C>T on the coding strand, the complement: BRCA1 is on the minus strand). VCF-style: chr17-43091690-G-A. GRCh37 (hg19) VCF-style: chr17-41243707-G-A.
Other names: c.3838C>T, p.Gln1280Ter (NM_001407636.1, NM_001407637.1, NM_001407638.1 and 22 more transcripts); c.3841C>T, p.Gln1281Ter (NM_001407639.1, NM_001407640.1, NM_001407641.1 and 30 more transcripts); c.3832C>T, p.Gln1278Ter (NM_001407646.1, NM_001407647.1); c.3718C>T, p.Gln1240Ter (NM_001407648.1, NM_001407664.1, NM_001407665.1 and 19 more transcripts); c.3715C>T, p.Gln1239Ter (NM_001407649.1, NM_001407670.1, NM_001407671.1 and 11 more transcripts); c.3763C>T, p.Gln1255Ter (NM_001407653.1, NM_001407654.1, NM_001407655.1 and 4 more transcripts); c.3760C>T, p.Gln1254Ter (NM_001407659.1, NM_001407660.1, NM_001407661.1 and 1 more transcripts); c.3700C>T, p.Gln1234Ter (NM_001407692.1, NM_001407694.1, NM_001407695.1 and 29 more transcripts); and 41 more; short protein forms Q1281*, Q1234*, Q1113*, Q1211*, Q1255*, Q1153*, Q1169*, Q1210*.
Identifiers: ClinVar variation 55022 (VCV000055022.54), dbSNP rs80356866, ClinGen allele CA002475.

ClinVar aggregate classification (germline): Pathogenic. Review status: reviewed by expert panel (3 of 4 stars). 18 submissions from 18 submitters: Pathogenic (1). 17 of the submissions do not count toward it. Last evaluated 2016-09-08.

Conditions:
Hereditary cancer-predisposing syndrome. Also called: Hereditary Cancer Syndrome; Hereditary neoplastic syndrome; Neoplastic Syndromes, Hereditary; Tumor predisposition. Identifiers: Orphanet 140162, MedGen C0027672, MeSH D009386, MONDO:0015356.
Breast-ovarian cancer, familial, susceptibility to, 1 (BROVCA1). Also called: BRCA1 Hereditary Breast and Ovarian Cancer; OVARIAN CANCER, SUSCEPTIBILITY TO. Identifiers: Orphanet 145, MedGen C2676676, MONDO:0011450, OMIM 604370. Disease mechanism: loss of function.
Gastric cancer. Also called: Malignant tumor of stomach; Stomach cancer. Identifiers: MedGen C0024623, MeSH D013274, MONDO:0001056, OMIM 613659, HP:0012126.
Hereditary breast ovarian cancer syndrome. Also called: BRCA1- and BRCA2-Associated Hereditary Breast and Ovarian Cancer; Hereditary breast and ovarian cancer syndrome; Hereditary breast and ovarian cancer syndrome (HBOC); Breast and ovarian cancer; Hereditary breast and/or ovarian cancer syndrome; Hereditary breast and ovarian cancer. Identifiers: Orphanet 145, MedGen C0677776, MeSH D061325, MONDO:0003582. Disease mechanism: loss of function.
Malignant tumor of breast. Also called: Cancer breast; Malignant breast neoplasm. Identifiers: MedGen C0006142, MONDO:0007254. Disease mechanism: loss of function.

Submissions 1 to 15 of 18:

Evidence-based Network for the Interpretation of Germline Mutant Alleles (ENIGMA)
Classification: Pathogenic for Breast-ovarian cancer, familial, susceptibility to, 1. Last evaluated: 2016-09-08. Review status: reviewed by expert panel. Criteria: ENIGMA BRCA1/2 Classification Criteria (2015). Collection method: curation. Allele origin: germline.
Comment: Variant allele predicted to encode a truncated non-functional protein.

Ambry Genetics
Classification: Pathogenic for Hereditary cancer-predisposing syndrome. Last evaluated: 2026-06-11. Review status: criteria provided, single submitter. Criteria: Ambry Variant Classification Scheme 2023. Collection method: clinical testing. Allele origin: germline. Not counted in ClinVar's aggregate classification.
Comment: The p.Q1281* pathogenic mutation (also known as c.3841C>T), located in coding exon 9 of the BRCA1 gene, results from a C to T substitution at nucleotide position 3841. This changes the amino acid from a glutamine to a stop codon within coding exon 9. This variant is considered to be rare based on population cohorts in the Genome Aggregation Database (gnomAD). This alteration is expected to result in loss of function by premature protein truncation or nonsense-mediated mRNA decay. As such, this alteration is interpreted as a disease-causing mutation.

Color Diagnostics, LLC DBA Color Health
Classification: Pathogenic for Hereditary cancer-predisposing syndrome. Last evaluated: 2025-07-18. Review status: criteria provided, single submitter. Criteria: ACMG Guidelines, 2015. Collection method: clinical testing. Allele origin: germline. Not counted in ClinVar's aggregate classification.
Comment: This variant changes 1 nucleotide in exon 10 of the BRCA1 gene, creating a premature translation stop signal. This variant is expected to result in an absent or non-functional protein product. This variant has been reported in families affected with breast and/or ovarian cancer (PMID: 10595255, 15026808). This variant has not been identified in the general population by the Genome Aggregation Database (gnomAD). Loss of BRCA1 function is a known mechanism of disease. Based on the available evidence, this variant is classified as Pathogenic.

Labcorp Genetics (formerly Invitae), Labcorp
Classification: Pathogenic for Hereditary breast ovarian cancer syndrome. Last evaluated: 2025-04-10. Review status: criteria provided, single submitter. Criteria: Invitae Variant Classification Sherloc (09022015). Collection method: clinical testing. Allele origin: germline. Not counted in ClinVar's aggregate classification.
Comment: This sequence change creates a premature translational stop signal (p.Gln1281*) in the BRCA1 gene. It is expected to result in an absent or disrupted protein product. Loss-of-function variants in BRCA1 are known to be pathogenic (PMID: 20104584). This variant is not present in population databases (gnomAD no frequency). This premature translational stop signal has been observed in individual(s) with BRCA1-related conditions (PMID: 10923033, 22144684). ClinVar contains an entry for this variant (Variation ID: 55022). For these reasons, this variant has been classified as Pathogenic.

Baylor Genetics
Classification: Pathogenic for Breast-ovarian cancer, familial, susceptibility to, 1. Last evaluated: 2023-12-23. Review status: criteria provided, single submitter. Criteria: ACMG Guidelines, 2015. Collection method: clinical testing. Allele origin: unknown. Not counted in ClinVar's aggregate classification.

Quest Diagnostics Nichols Institute San Juan Capistrano
Classification: Pathogenic. Last evaluated: 2023-04-20. Review status: criteria provided, single submitter. Criteria: Quest Diagnostics criteria. Collection method: clinical testing. Allele origin: unknown. Not counted in ClinVar's aggregate classification.
Comment: This nonsense variant causes the premature termination of BRCA1 protein synthesis. This variant has not been reported in large, multi-ethnic general populations. In the published literature, the variant has been reported in individuals with a personal or family history of breast and/or ovarian cancer (PMIDs: 30968603 (2019), 30430080 (2018), 22144684 (2012), 15026808 (2004)). Based on the available information, this variant is classified as pathogenic.

Cancer Genomics Group, Japanese Foundation For Cancer Research
Classification: Pathogenic for Hereditary breast ovarian cancer syndrome. Last evaluated: 2023-03-27. Review status: criteria provided, single submitter. Criteria: ACMG Guidelines, 2015. Collection method: research. Allele origin: germline. Affected: no. Not counted in ClinVar's aggregate classification.

Clinical Genetics Laboratory, Skane University Hospital Lund
Classification: Pathogenic. Last evaluated: 2022-05-27. Review status: criteria provided, single submitter. Criteria: ACMG Guidelines, 2015. Collection method: clinical testing. Allele origin: germline. Affected: yes. Not counted in ClinVar's aggregate classification.

GeneDx
Classification: Pathogenic. Last evaluated: 2020-12-08. Review status: criteria provided, single submitter. Criteria: GeneDx Variant Classification Process June 2021. Collection method: clinical testing. Allele origin: germline. Affected: yes. Not counted in ClinVar's aggregate classification.
Comment: Nonsense variant predicted to result in protein truncation or nonsense mediated decay in a gene for which loss-of-function is a known mechanism of disease; Observed in individuals with a personal or family history consistent with pathogenic variants in this gene (Claes 1999, Castra 2014, Caputo 2012, Rvillion 2004, can der Hout 2006); Not observed in large population cohorts (Lek 2016); Truncating variants in this gene are considered pathogenic by a well-established clinical consortium and/or database; Also known as 3960C>T; This variant is associated with the following publications: (PMID: 15799620, 9150151, 28724667, 10595255, 24549055, 22144684, 14709649, 16683254, 11506493, 25722380, 25525159, 8807330, 21305653, 21120943, 28541631, 30702160, 29446198, 30968603, 32341426, 31825140)

Clinical Genetics and Genomics, Karolinska University Hospital
Classification: Pathogenic. Last evaluated: 2019-03-15. Review status: criteria provided, single submitter. Criteria: ACMG Guidelines, 2015. Collection method: clinical testing. Allele origin: germline. Affected: yes. Observed: 2 variant alleles. Not counted in ClinVar's aggregate classification.

Consortium of Investigators of Modifiers of BRCA1/2 (CIMBA), c/o University of Cambridge
Classification: Pathogenic for Breast-ovarian cancer, familial, susceptibility to, 1. Last evaluated: 2015-10-02. Review status: criteria provided, single submitter. Criteria: CIMBA Mutation Classification guidelines May 2016. Collection method: clinical testing. Allele origin: germline. Not counted in ClinVar's aggregate classification.

BRCAlab, Lund University
Classification: Pathogenic for Breast-ovarian cancer, familial, susceptibility to, 1. Last evaluated: 2022-08-26. Review status: no assertion criteria provided. Collection method: clinical testing. Allele origin: germline. Affected: yes. Not counted in ClinVar's aggregate classification.

Laboratory for Genotyping Development, RIKEN
Classification: Pathogenic for Gastric cancer. Last evaluated: 2021-07-01. Review status: no assertion criteria provided. Collection method: research. Allele origin: germline. Not counted in ClinVar's aggregate classification.

Research Molecular Genetics Laboratory, Women's College Hospital, University of Toronto
Classification: Pathogenic for Hereditary breast ovarian cancer syndrome. Last evaluated: 2014-01-31. Review status: no assertion criteria provided. Collection method: research. Allele origin: germline. Affected: yes. Study: The Canadian Open Genetics Repository (COGR). Not counted in ClinVar's aggregate classification.

Breast Cancer Information Core (BIC) (BRCA1)
Classification: Pathogenic for Breast-ovarian cancer, familial 1. Last evaluated: 1999-12-30. Review status: no assertion criteria provided. Collection method: clinical testing. Allele origin: germline. Affected: yes. Observed: 16 variant alleles. Not counted in ClinVar's aggregate classification.